The following is an entry in ClinVar:

ClinVar aggregate classification (germline): Conflicting classifications of pathogenicity. Review status: criteria provided, conflicting classifications (1 of 4 stars). 5 submissions from 5 submitters: Uncertain significance (3); Likely benign (1). 1 of the submissions does not count toward it. Last evaluated 2026-03-04.

Conditions:
Hereditary cancer-predisposing syndrome. Also called: Tumor predisposition; Hereditary neoplastic syndrome; Neoplastic Syndromes, Hereditary; Hereditary Cancer Syndrome. Identifiers: Orphanet 140162, MedGen C0027672, MeSH D009386, MONDO:0015356.
Hereditary breast ovarian cancer syndrome. Also called: Hereditary breast and ovarian cancer; Breast and ovarian cancer; BRCA1- and BRCA2-Associated Hereditary Breast and Ovarian Cancer; Hereditary breast and ovarian cancer syndrome; Hereditary breast and ovarian cancer syndrome (HBOC); Hereditary breast and/or ovarian cancer syndrome. Identifiers: Orphanet 145, MedGen C0677776, MeSH D061325, MONDO:0003582. Disease mechanism: loss of function.
Familial cancer of breast. Also called: BREAST CANCER, FAMILIAL; hereditary breast carcinoma; Hereditary breast cancer. Identifiers: Orphanet 227535, MedGen C0346153, MONDO:0016419, OMIM 114480. Disease mechanism: loss of function.

Allele frequency attached by ClinVar (database versions not stated): TOPMed 0.00001; ExAC 0.00001; gnomAD exomes below 0.00001.
gnomAD v4.1: 1 of 1,614,042 alleles (0.000062%); highest among the groups gnomAD compares: East Asian, 0.0022%; no homozygotes.

Submissions (5):

Ambry Genetics
Classification: Uncertain significance for Hereditary cancer-predisposing syndrome. Last evaluated: 2026-03-04. Review status: criteria provided, single submitter. Criteria: Ambry Variant Classification Scheme 2023. Collection method: clinical testing. Allele origin: germline.
Comment: The p.V627G variant (also known as c.1880T>G), located in coding exon 9 of the BRCA1 gene, results from a T to G substitution at nucleotide position 1880. The valine at codon 627 is replaced by glycine, an amino acid with dissimilar properties. This amino acid position is well conserved in available vertebrate species. In addition, the in silico prediction for this alteration is inconclusive. Based on the available evidence, the clinical significance of this variant remains unclear.

Labcorp Genetics (formerly Invitae), Labcorp
Classification: Uncertain significance for Hereditary breast ovarian cancer syndrome. Last evaluated: 2025-03-17. Review status: criteria provided, single submitter. Criteria: Invitae Variant Classification Sherloc (09022015). Collection method: clinical testing. Allele origin: germline.
Comment: This sequence change replaces valine, which is neutral and non-polar, with glycine, which is neutral and non-polar, at codon 627 of the BRCA1 protein (p.Val627Gly). This variant is present in population databases (rs770002293, gnomAD 0.006%). This missense change has been observed in individual(s) with breast and/or ovarian cancer (PMID: 32101877, 35918668). ClinVar contains an entry for this variant (Variation ID: 193697). Invitae Evidence Modeling of protein sequence and biophysical properties (such as structural, functional, and spatial information, amino acid conservation, physicochemical variation, residue mobility, and thermodynamic stability) indicates that this missense variant is not expected to disrupt BRCA1 protein function with a negative predictive value of 80%. In summary, the available evidence is currently insufficient to determine the role of this variant in disease. Therefore, it has been classified as a Variant of Uncertain Significance.

University of Washington Department of Laboratory Medicine, University of Washington
Classification: Likely benign for Hereditary cancer-predisposing syndrome. Last evaluated: 2023-03-23. Review status: criteria provided, single submitter. Criteria: Dines et al. (Genet Med. 2020). Collection method: curation. Allele origin: germline.
Comment: Missense variant in a coldspot region where missense variants are very unlikely to be pathogenic (PMID:31911673).

BRCA1 coldspot (exon 11 using historical exon numbering). Reclassification based on statistical prior probability

Eurofins Ntd Llc (ga)
Classification: Uncertain significance. Last evaluated: 2015-04-03. Review status: criteria provided, single submitter. Criteria: EGL Classification Definitions 2015. Collection method: clinical testing. Allele origin: germline. Observed: 1 variant allele, 1 heterozygote.

Center for Precision Medicine, Meizhou People's Hospital
Classification: Uncertain significance for Familial cancer of breast. Review status: no assertion criteria provided. Collection method: literature only. Allele origin: germline. Affected: yes. Not counted in ClinVar's aggregate classification.

Literature cited by the submitters: PubMed 32101877 (cited by Labcorp Genetics (formerly Invitae), Labcorp and Center for Precision Medicine, Meizhou People's Hospital); PubMed 35918668 (cited by Labcorp Genetics (formerly Invitae), Labcorp).

NM_007294.4(BRCA1):c.1880T>G (p.Val627Gly)

Gene: BRCA1 (BRCA1 DNA repair associated; minus strand). Cytogenetic location: 17q21.31.
Variant type: single nucleotide variant.
Coding change: c.1880T>G on transcript NM_007294.4 (MANE Select); coding-DNA position 1880, T replaced by G.
Protein change: p.Val627Gly; replaces valine 627 with glycine.
Molecular consequence: missense variant. On other transcripts: intron variant (137).
Genome position (GRCh38, 1-based): chr17:43,093,651, A>C on the plus strand (T>G on the coding strand, the complement: BRCA1 is on the minus strand). VCF-style: chr17-43093651-A-C. GRCh37 (hg19) VCF-style: chr17-41245668-A-C.
Other names: c.1877T>G, p.Val626Gly (NM_001407613.1, NM_001407614.1, NM_001407615.1 and 22 more transcripts); c.1880T>G, p.Val627Gly (NM_001407616.1, NM_001407617.1, NM_001407618.1 and 30 more transcripts); c.1802T>G, p.Val601Gly (NM_001407654.1, NM_001407655.1, NM_001407656.1 and 4 more transcripts); c.1799T>G, p.Val600Gly (NM_001407659.1, NM_001407660.1, NM_001407661.1 and 1 more transcripts); c.1754T>G, p.Val585Gly (NM_001407673.1, NM_001407649.1, NM_001407670.1 and 11 more transcripts); c.1757T>G, p.Val586Gly (NM_001407674.1, NM_001407675.1, NM_001407676.1 and 19 more transcripts); c.1739T>G, p.Val580Gly (NM_001407692.1, NM_001407694.1, NM_001407695.1 and 29 more transcripts); c.1736T>G, p.Val579Gly (NM_001407740.1, NM_001407741.1, NM_001407742.1 and 20 more transcripts); and 40 more; short protein forms V627G, V580G, V499G, V556G, V601G, V459G, V557G, V585G.
Identifiers: ClinVar variation 193697 (VCV000193697.16), dbSNP rs770002293, ClinGen allele CA001221.